The following is an entry in ClinVar:

NM_007348.4(ATF6):c.33G>A (p.Met11Ile)

Gene: ATF6 (activating transcription factor 6; plus strand). Cytogenetic location: 1q23.3.
Variant type: single nucleotide variant.
Coding change: c.33G>A on transcript NM_007348.4 (MANE Select); coding-DNA position 33, G replaced by A.
Protein change: p.Met11Ile; replaces methionine 11 with isoleucine.
Molecular consequence: missense variant.
Genome position (GRCh38, 1-based): chr1:161,766,393, G>A. VCF-style: chr1-161766393-G-A. GRCh37 (hg19) VCF-style: chr1-161736183-G-A.
Other names: c.33G>A, p.Met11Ile (NM_001410890.1); short protein forms M11I.
Identifiers: ClinVar variation 1897211 (VCV001897211.5), dbSNP rs761779169, ClinGen allele CA1214068.

ClinVar aggregate classification (germline): Uncertain significance (1 of 4 stars; one submission).

Allele frequency attached by ClinVar (database versions not stated): ExAC 0.00001; gnomAD exomes 0.00001.

Submission:

Labcorp Genetics (formerly Invitae), Labcorp
Classification: Uncertain significance. Last evaluated: 2022-11-08. Review status: criteria provided, single submitter. Criteria: Invitae Variant Classification Sherloc (09022015). Collection method: clinical testing. Allele origin: germline.
Comment: This variant has not been reported in the literature in individuals affected with ATF6-related conditions. This variant is present in population databases (rs761779169, gnomAD no frequency). This sequence change replaces methionine, which is neutral and non-polar, with isoleucine, which is neutral and non-polar, at codon 11 of the ATF6 protein (p.Met11Ile). Algorithms developed to predict the effect of missense changes on protein structure and function are either unavailable or do not agree on the potential impact of this missense change (SIFT: "Deleterious"; PolyPhen-2: "Possibly Damaging"; Align-GVGD: "Class C0"). In summary, the available evidence is currently insufficient to determine the role of this variant in disease. Therefore, it has been classified as a Variant of Uncertain Significance.